The following is an entry in ClinVar:

NM_006302.3(MOGS):c.11G>A (p.Gly4Asp)

Gene: MOGS (mannosyl-oligosaccharide glucosidase; minus strand). Cytogenetic location: 2p13.1.
Variant type: single nucleotide variant.
Coding change: c.11G>A on transcript NM_006302.3 (MANE Select); coding-DNA position 11, G replaced by A.
Protein change: p.Gly4Asp; replaces glycine 4 with aspartic acid.
Molecular consequence: missense variant. On other transcripts: intron variant (1).
Genome position (GRCh38, 1-based): chr2:74,465,237, C>T on the plus strand (G>A on the coding strand, the complement: MOGS is on the minus strand). VCF-style: chr2-74465237-C-T. GRCh37 (hg19) VCF-style: chr2-74692364-C-T.
Other names: c.-59+77G>A (NM_001146158.2); short protein forms G4D.
Identifiers: ClinVar variation 2005874 (VCV002005874.1), dbSNP rs1190367079, ClinGen allele CA347383912.
Genomic context (GRCh38, chr2:74,465,237, plus strand): 5'-CGAGCCGCCCTCTCGGCTGTCCGCACTCCCTCTGCCGGCACTGCGCGGCGCCGCCGCTCG[C>T]CCCGAGCCATCCTGGCACTGAGGTCCGCGTCACAAGAGCTCGGAGAGGCGGCAGTGGAGC-3'
Protein context (NP_006293.2, residues 1-14): MAR[Gly4Asp]ERRRRAVPAE

ClinVar aggregate classification (germline): Uncertain significance (1 of 4 stars; one submission).

Conditions:
MOGS-congenital disorder of glycosylation. Also called: MOGS-CDG; CDG IIb; GLUCOSIDASE I DEFICIENCY; CDG 2B. Identifiers: Orphanet 79330, MedGen C1853736, MONDO:0011629, OMIM 606056.

Allele frequency attached by ClinVar (database versions not stated): gnomAD 0.00001.

Submission:

Labcorp Genetics (formerly Invitae), Labcorp
Classification: Uncertain significance for MOGS-congenital disorder of glycosylation. Last evaluated: 2022-06-13. Review status: criteria provided, single submitter. Criteria: Invitae Variant Classification Sherloc (09022015). Collection method: clinical testing. Allele origin: germline.
Comment: This sequence change replaces glycine, which is neutral and non-polar, with aspartic acid, which is acidic and polar, at codon 4 of the MOGS protein (p.Gly4Asp). This variant is present in population databases (no rsID available, gnomAD 0.007%). This variant has not been reported in the literature in individuals affected with MOGS-related conditions. Algorithms developed to predict the effect of missense changes on protein structure and function are either unavailable or do not agree on the potential impact of this missense change (SIFT: "Tolerated"; PolyPhen-2: "Probably Damaging"; Align-GVGD: "Class C0"). In summary, the available evidence is currently insufficient to determine the role of this variant in disease. Therefore, it has been classified as a Variant of Uncertain Significance.